The following is an entry in ClinVar:

ClinVar aggregate classification (germline): Uncertain significance. Review status: criteria provided, multiple submitters, no conflicts (2 of 4 stars). 4 submissions from 4 submitters: Uncertain significance (3). 1 of the submissions does not count toward it. Last evaluated 2025-09-29.

Conditions:
Retinitis pigmentosa 73 (RP73). Identifiers: Orphanet 791, MedGen C4225287, MONDO:0014687, OMIM 616544.
Mucopolysaccharidosis, MPS-III-C (MPS3C). Also called: MPS IIIC (Sanfilippo Syndrome Type C); MUCOPOLYSACCHARIDOSIS, TYPE IIIC; Mucopolysaccharidosis type IIIC (Sanfilippo C); mucopolysaccharidosis type 3C; SANFILIPPO SYNDROME C; MPS III C. Identifiers: Orphanet 581, Orphanet 79271, MedGen C0086649, MONDO:0009657, OMIM 252930.

Allele frequency attached by ClinVar (database versions not stated): gnomAD below 0.00001 and 0.00002; TOPMed below 0.00001; gnomAD exomes 0.00003 and 0.00005; ExAC 0.00009.
gnomAD v4.1: 41 of 1,610,618 alleles (0.0025%); highest among the groups gnomAD compares: South Asian, 0.044%; no homozygotes.

Submissions (4):

Women's Health and Genetics/Laboratory Corporation of America, LabCorp
Classification: Uncertain significance. Last evaluated: 2025-09-29. Review status: criteria provided, single submitter. Criteria: LabCorp Variant Classification Summary - May 2015. Collection method: clinical testing. Allele origin: germline.
Comment: Variant summary: HGSNAT c.1283T>G (p.Phe428Cys) results in a non-conservative amino acid change in the encoded protein sequence. Algorithms developed to predict the effect of missense changes on protein structure and function are either unavailable or do not agree on the potential impact of this missense change. The variant allele was found at a frequency of 4.9e-05 in 243684 control chromosomes, predominantly at a frequency of 0.0004 within the South Asian subpopulation in the gnomAD database. This frequency is not significantly higher than estimated for disease-causing variants in HGSNAT, allowing no conclusion about variant significance. c.1283T>G has been observed ina homozygous individual affected with Retinitis pigmentosa 73 (Schiff_2020). These report(s) do not provide unequivocal conclusions about association of the variant with Retinitis pigmentosa 73 since co-occurrences with other pathogenic variant(s) have been reported (EYS c.(6725+1_6726-1)_(6834+1_6835-1)del, p.Tyr2243HisfsTer32) in the same individual (Lin_2024), providing supporting evidence for a benign role. To our knowledge, no experimental evidence demonstrating an impact on protein function has been reported. The following publications have been ascertained in the context of this evaluation (PMID: 38988050, 38219857, 32770643). ClinVar contains an entry for this variant (Variation ID: 974594). Based on the evidence outlined above, the variant was classified as uncertain significance.

Labcorp Genetics (formerly Invitae), Labcorp
Classification: Uncertain significance for Retinitis pigmentosa 73; Mucopolysaccharidosis, MPS-III-C. Last evaluated: 2022-02-02. Review status: criteria provided, single submitter. Criteria: Invitae Variant Classification Sherloc (09022015). Collection method: clinical testing. Allele origin: germline.
Comment: This sequence change replaces phenylalanine, which is neutral and non-polar, with cysteine, which is neutral and slightly polar, at codon 428 of the HGSNAT protein (p.Phe428Cys). This variant is present in population databases (rs777276988, gnomAD 0.04%). This missense change has been observed in individual(s) with clinical features of retinitis pigmentosa (PMID: 32770643). ClinVar contains an entry for this variant (Variation ID: 974594). Advanced modeling of protein sequence and biophysical properties (such as structural, functional, and spatial information, amino acid conservation, physicochemical variation, residue mobility, and thermodynamic stability) performed at Invitae indicates that this missense variant is not expected to disrupt HGSNAT protein function. In summary, the available evidence is currently insufficient to determine the role of this variant in disease. Therefore, it has been classified as a Variant of Uncertain Significance.

Myriad Genetics, Inc.
Classification: Uncertain significance for Mucopolysaccharidosis, MPS-III-C. Last evaluated: 2021-11-11. Review status: criteria provided, single submitter. Criteria: Myriad Women's Health Autosomal Recessive and X-Linked Classification Criteria (2021). Collection method: clinical testing. Allele origin: unknown.
Comment: NM_152419.2(HGSNAT):c.1283T>G(F428C) is a missense variant classified as a variant of uncertain significance in the context of mucopolysaccharidosis type IIIC. F428C has not been observed in cases with relevant disease. Functional assessments of this variant are not available in the literature. F428C has been observed in population frequency databases (gnomAD: SAS 0.04%). In summary, there is insufficient evidence to classify NM_152419.2(HGSNAT):c.1283T>G(F428C) as pathogenic or benign. Please note: this variant was assessed in the context of healthy population screening.

Inherited Eye Disorders lab, UCL Institute of Ophthalmology
Classification: Likely pathogenic for Retinitis pigmentosa 73. Last evaluated: 2020-07-01. Review status: no assertion criteria provided. Collection method: clinical testing. Allele origin: inherited. Inheritance: Autosomal recessive inheritance. Affected: yes. Not counted in ClinVar's aggregate classification.

Literature cited by the submitters: PubMed 32770643 (cited by Women's Health and Genetics/Laboratory Corporation of America, LabCorp and Labcorp Genetics (formerly Invitae), Labcorp); PubMed 38219857 (cited by Women's Health and Genetics/Laboratory Corporation of America, LabCorp); PubMed 38988050 (cited by Women's Health and Genetics/Laboratory Corporation of America, LabCorp).

NM_152419.3(HGSNAT):c.1283T>G (p.Phe428Cys)

Gene: HGSNAT (heparan-alpha-glucosaminide N-acetyltransferase; plus strand). Cytogenetic location: 8p11.21.
Variant type: single nucleotide variant.
Coding change: c.1283T>G on transcript NM_152419.3 (MANE Select); coding-DNA position 1283, T replaced by G.
Protein change: p.Phe428Cys; replaces phenylalanine 428 with cysteine.
Molecular consequence: missense variant.
Genome position (GRCh38, 1-based): chr8:43,192,336, T>G. VCF-style: chr8-43192336-T-G. GRCh37 (hg19) VCF-style: chr8-43047479-T-G.
Other names: c.1283T>G, p.Phe428Cys (NM_001363227.2); c.1091T>G, p.Phe364Cys (NM_001363228.2); c.419T>G, p.Phe140Cys (NM_001363229.2); short protein forms F140C, F364C, F428C.
Identifiers: ClinVar variation 974594 (VCV000974594.10), dbSNP rs777276988, ClinGen allele CA4736835.